The following is an entry in ClinVar:

ClinVar aggregate classification (germline): Uncertain significance (1 of 4 stars; one submission).

Conditions:
Adams-Oliver syndrome 5 (AOS5). Identifiers: Orphanet 974, MedGen C4014970, MONDO:0014459, OMIM 616028.

Submission:

Labcorp Genetics (formerly Invitae), Labcorp
Classification: Uncertain significance for Adams-Oliver syndrome 5. Last evaluated: 2024-12-22. Review status: criteria provided, single submitter. Criteria: Invitae Variant Classification Sherloc (09022015). Collection method: clinical testing. Allele origin: germline.
Comment: This sequence change replaces proline, which is neutral and non-polar, with arginine, which is basic and polar, at codon 2438 of the NOTCH1 protein (p.Pro2438Arg). This variant is not present in population databases (gnomAD no frequency). This variant has not been reported in the literature in individuals affected with NOTCH1-related conditions. Invitae Evidence Modeling of protein sequence and biophysical properties (such as structural, functional, and spatial information, amino acid conservation, physicochemical variation, residue mobility, and thermodynamic stability) indicates that this missense variant is not expected to disrupt NOTCH1 protein function with a negative predictive value of 80%. In summary, the available evidence is currently insufficient to determine the role of this variant in disease. Therefore, it has been classified as a Variant of Uncertain Significance.

NM_017617.5(NOTCH1):c.7313C>G (p.Pro2438Arg)

Gene: NOTCH1 (notch receptor 1; minus strand). Cytogenetic location: 9q34.3.
Variant type: single nucleotide variant.
Coding change: c.7313C>G on transcript NM_017617.5 (MANE Select); coding-DNA position 7313, C replaced by G.
Protein change: p.Pro2438Arg; replaces proline 2438 with arginine.
Molecular consequence: missense variant.
Genome position (GRCh38, 1-based): chr9:136,496,426, G>C on the plus strand (C>G on the coding strand, the complement: NOTCH1 is on the minus strand). VCF-style: chr9-136496426-G-C. GRCh37 (hg19) VCF-style: chr9-139390878-G-C.
Other names: short protein forms P2438R.
Identifiers: ClinVar variation 3720183 (VCV003720183.2).